The following is an entry in ClinVar:

ClinVar aggregate classification (germline): Uncertain significance (1 of 4 stars; one submission).

gnomAD v4.1: 3 of 1,614,152 alleles (0.00019%); highest among the groups gnomAD compares: Non-Finnish European, 0.00025%; no homozygotes.

Submission:

GeneDx
Classification: Uncertain significance. Last evaluated: 2025-06-12. Review status: criteria provided, single submitter. Criteria: GeneDx Variant Classification Process June 2021. Collection method: clinical testing. Allele origin: germline. Affected: yes.
Comment: Not observed at significant frequency in large population cohorts (gnomAD); In silico analysis suggests that this missense variant does not alter protein structure/function; Has not been previously published as pathogenic or benign to our knowledge

NM_004519.4(KCNQ3):c.2249T>C (p.Ile750Thr)

Gene: KCNQ3 (potassium voltage-gated channel subfamily Q member 3; minus strand). Cytogenetic location: 8q24.22.
Variant type: single nucleotide variant.
Coding change: c.2249T>C on transcript NM_004519.4 (MANE Select); coding-DNA position 2249, T replaced by C.
Protein change: p.Ile750Thr; replaces isoleucine 750 with threonine.
Molecular consequence: missense variant.
Genome position (GRCh38, 1-based): chr8:132,129,632, A>G on the plus strand (T>C on the coding strand, the complement: KCNQ3 is on the minus strand). VCF-style: chr8-132129632-A-G. GRCh37 (hg19) VCF-style: chr8-133141879-A-G.
Other names: c.1889T>C, p.Ile630Thr (NM_001204824.2); short protein forms I630T, I750T.
Identifiers: ClinVar variation 4537712 (VCV004537712.1).